The following is an entry in ClinVar:

ClinVar aggregate classification (germline): Benign. Review status: criteria provided, multiple submitters, no conflicts (2 of 4 stars). 2 submissions from 2 submitters: Benign (2). Last evaluated 2019-12-31.

Conditions:
Long QT syndrome (LQTS). Identifiers: MedGen C0023976, MeSH D008133, MONDO:0002442. Disease mechanism: loss of function. Inheritance: Various modes of inheritance.

Allele frequency attached by ClinVar (database versions not stated): TOPMed 0.98929; 1000 Genomes Project 30x 0.98938; gnomAD 0.98983 and 0.99055; 1000 Genomes Project 0.99042.
gnomAD v4.1: 150,872 of 152,302 alleles (99%); highest among the groups gnomAD compares: Middle Eastern, 100%; 74,742 homozygotes.

Submissions (2):

Labcorp Genetics (formerly Invitae), Labcorp
Classification: Benign for Long QT syndrome. Last evaluated: 2019-12-31. Review status: criteria provided, single submitter. Criteria: Invitae Variant Classification Sherloc (09022015). Collection method: clinical testing. Allele origin: germline.

GeneDx
Classification: Benign. Last evaluated: 2018-06-19. Review status: criteria provided, single submitter. Criteria: GeneDx Variant Classification (06012015). Collection method: clinical testing. Allele origin: germline. Affected: yes.
Comment: This variant is considered likely benign or benign based on one or more of the following criteria: it is a conservative change, it occurs at a poorly conserved position in the protein, it is predicted to be benign by multiple in silico algorithms, and/or has population frequency not consistent with disease.

NM_000719.7(CACNA1C):c.1895+304A>G

Gene: CACNA1C (calcium voltage-gated channel subunit alpha1 C; plus strand). Cytogenetic location: 12p13.33.
Variant type: single nucleotide variant.
Coding change: c.1895+304A>G on transcript NM_000719.7 (MANE Select); 304 bases into the intron after coding-DNA position 1895, A replaced by G.
Molecular consequence: intron variant.
Genome position (GRCh38, 1-based): chr12:2,568,098, A>G. VCF-style: chr12-2568098-A-G. GRCh37 (hg19) VCF-style: chr12-2677264-A-G.
Other names: c.1895+304A>G (NM_001167624.3, NM_001167623.2, NM_001167625.2 and 18 more transcripts); c.1886+304A>G (NM_001129844.2).
Identifiers: ClinVar variation 683270 (VCV000683270.5), dbSNP rs1548732, ClinGen allele CA231615284.